The following is an entry in ClinVar:

ClinVar aggregate classification (germline): Uncertain significance. Review status: criteria provided, multiple submitters, no conflicts (2 of 4 stars). 2 submissions from 2 submitters: Uncertain significance (2). Last evaluated 2025-05-13.

Conditions:
Cardiovascular phenotype. Identifiers: MedGen CN230736.
Hereditary cancer-predisposing syndrome. Also called: Hereditary neoplastic syndrome; Neoplastic Syndromes, Hereditary; Hereditary Cancer Syndrome; Tumor predisposition. Identifiers: Orphanet 140162, MedGen C0027672, MeSH D009386, MONDO:0015356.
Neurofibromatosis, type 1 (NF1). Also called: VON RECKLINGHAUSEN DISEASE; Neurofibromatosis, type I; NEUROFIBROMATOSIS, TYPE I, SOMATIC; Peripheral type neurofibromatosis. Identifiers: Orphanet 636, MedGen C0027831, MONDO:0018975, OMIM 162200. Disease mechanism: loss of function.

Submissions (2):

Ambry Genetics
Classification: Uncertain significance for Cardiovascular phenotype; Hereditary cancer-predisposing syndrome. Last evaluated: 2025-05-13. Review status: criteria provided, single submitter. Criteria: Ambry Variant Classification Scheme 2023. Collection method: clinical testing. Allele origin: germline.
Comment: The p.V2238M variant (also known as c.6712G>A), located in coding exon 44 of the NF1 gene, results from a G to A substitution at nucleotide position 6712. The valine at codon 2238 is replaced by methionine, an amino acid with highly similar properties. This amino acid position is highly conserved in available vertebrate species. In addition, the in silico prediction for this alteration is inconclusive. Based on the available evidence, the clinical significance of this variant remains unclear.

Labcorp Genetics (formerly Invitae), Labcorp
Classification: Uncertain significance for Neurofibromatosis, type 1. Last evaluated: 2021-10-16. Review status: criteria provided, single submitter. Criteria: Invitae Variant Classification Sherloc (09022015). Collection method: clinical testing. Allele origin: germline.
Comment: In summary, the available evidence is currently insufficient to determine the role of this variant in disease. Therefore, it has been classified as a Variant of Uncertain Significance. Advanced modeling of protein sequence and biophysical properties (such as structural, functional, and spatial information, amino acid conservation, physicochemical variation, residue mobility, and thermodynamic stability) performed at Invitae indicates that this missense variant is not expected to disrupt NF1 protein function. This variant has not been reported in the literature in individuals affected with NF1-related conditions. This variant is not present in population databases (ExAC no frequency). This sequence change replaces valine with methionine at codon 2238 of the NF1 protein (p.Val2238Met). The valine residue is moderately conserved and there is a small physicochemical difference between valine and methionine.

NM_001042492.3(NF1):c.6775G>A (p.Val2259Met)

Gene: NF1 (neurofibromin 1; plus strand). Cytogenetic location: 17q11.2.
Variant type: single nucleotide variant.
Coding change: c.6775G>A on transcript NM_001042492.3 (MANE Select); coding-DNA position 6775, G replaced by A.
Protein change: p.Val2259Met; replaces valine 2259 with methionine.
Molecular consequence: missense variant.
Genome position (GRCh38, 1-based): chr17:31,338,095, G>A. VCF-style: chr17-31338095-G-A. GRCh37 (hg19) VCF-style: chr17-29665113-G-A.
Other names: c.6712G>A, p.Val2238Met (NM_000267.4); short protein forms V2259M, V2238M.
Identifiers: ClinVar variation 1387498 (VCV001387498.9), dbSNP rs1348782175, ClinGen allele CA399014130.